The following is an entry in ClinVar:

ClinVar aggregate classification (germline): Likely pathogenic. Review status: criteria provided, multiple submitters, no conflicts (2 of 4 stars). 2 submissions from 2 submitters: Likely pathogenic (2). Last evaluated 2025-08-19.

Conditions:
Dilated cardiomyopathy 1G (CMD1G). Identifiers: Orphanet 154, MedGen C1858763, MONDO:0011400, OMIM 604145.
Autosomal recessive limb-girdle muscular dystrophy type 2J (LGMDR10). Also called: Limb-girdle muscular dystrophy, type 2J; MUSCULAR DYSTROPHY, LIMB-GIRDLE, AUTOSOMAL RECESSIVE 10. Identifiers: Orphanet 140922, MedGen C1837342, MONDO:0012127, OMIM 608807.

Submissions (2):

Variantyx, Inc.
Classification: Likely pathogenic for Dilated cardiomyopathy 1G. Last evaluated: 2025-08-19. Review status: criteria provided, single submitter. Criteria: Variantyx Assertion Criteria 2022. Collection method: clinical testing. Allele origin: germline. Inheritance: Autosomal dominant inheritance. Affected: yes.
Comment: This is a frameshift variant in the TTN gene (OMIM: 188840). Pathogenic variants in this gene have been associated with autosomal dominant dilated cardiomyopathy 1G. This variant introduces a premature termination codon in exon 335 out of 363 in the A band of TTN and is expected to result in loss of function, which is a known disease mechanism for TTN in this disorder (PMID: 38938651) (PVS1). This variant is absent from control populations (PM2) and it has not been reported in individuals with TTN-related disorders in the databases available for review. Based on the current evidence, this variant is classified as likely pathogenic for autosomal dominant dilated cardiomyopathy 1G.

Labcorp Genetics (formerly Invitae), Labcorp
Classification: Likely pathogenic for Dilated cardiomyopathy 1G; Autosomal recessive limb-girdle muscular dystrophy type 2J. Last evaluated: 2025-04-17. Review status: criteria provided, single submitter. Criteria: Invitae Variant Classification Sherloc (09022015). Collection method: clinical testing. Allele origin: germline.
Comment: This sequence change creates a premature translational stop signal (p.Ser30083Argfs*28) in the TTN gene. While this is not anticipated to result in nonsense mediated decay, it is expected to create a truncated TTN protein. This variant is not present in population databases (gnomAD no frequency). This premature translational stop signal has been observed in individual(s) with dilated cardiomyopathy (internal data). This variant is located in the A band of TTN (PMID: 25589632). Truncating variants in this region are significantly overrepresented in patients affected with dilated cardiomyopathy (PMID: 25589632). Truncating variants in this region have also been reported in individuals affected with autosomal recessive centronuclear myopathy (PMID: 23975875). In summary, the currently available evidence indicates that the variant is pathogenic, but additional data are needed to prove that conclusively. Therefore, this variant has been classified as Likely Pathogenic.

Literature cited by the submitters: PubMed 38938651 (cited by Variantyx, Inc.); PubMed 25589632 (cited by Labcorp Genetics (formerly Invitae), Labcorp); PubMed 23975875 (cited by Labcorp Genetics (formerly Invitae), Labcorp).

NM_001267550.2(TTN):c.90249_90252del (p.Ser30083fs)

Genes: TTN (titin; minus strand), TTN-AS1 (TTN antisense RNA 1; plus strand). Cytogenetic location: 2q31.2.
Variant type: Microsatellite.
Coding change: c.90249_90252del on transcript NM_001267550.2 (MANE Select); coding-DNA positions 90249 to 90252, 4 bases deleted (TAAG; older notation c.90249_90252delTAAG).
Protein change: p.Ser30083fs; shifts the reading frame from serine 30083.
Molecular consequence: frameshift variant.
Genome position (GRCh38, 1-based): chr2:178,552,648-178,552,651, CTTA deleted on the plus strand (TAAG on the coding strand, the reverse complement: TTN is on the minus strand); deleting any 4 consecutive bases within chr2:178,552,648-178,552,655 gives the same sequence; the c. name uses the placement nearest the transcript's 3' end. VCF-style (leftmost placement, unchanged base first): chr2-178552647-TCTTA-T. GRCh37 (hg19) VCF-style: chr2-179417374-TCTTA-T.
Other names: c.85326_85329del, p.Ser28442fs (NM_001256850.1); c.63054_63057del, p.Ser21018fs (NM_003319.4); c.82545_82548del, p.Ser27515fs (NM_133378.4); c.63429_63432del, p.Ser21143fs (NM_133432.3); c.63630_63633del, p.Ser21210fs (NM_133437.4); short protein forms S21210fs, S28442fs, S30083fs, S21143fs, S27515fs, S21018fs.
Identifiers: ClinVar variation 4784729 (VCV004784729.2).